The following is an entry in ClinVar:

ClinVar aggregate classification (germline): Uncertain significance. Review status: criteria provided, multiple submitters, no conflicts (2 of 4 stars). 2 submissions from 2 submitters: Uncertain significance (2). Last evaluated 2025-09-01.

Conditions:
Inborn genetic diseases. Identifiers: MedGen C0950123, MeSH D030342.

Submissions (2):

CeGaT Center for Human Genetics Tuebingen
Classification: Uncertain significance. Last evaluated: 2025-09-01. Review status: criteria provided, single submitter. Criteria: CeGaT Center For Human Genetics Tuebingen Variant Classification Criteria Version 2. Collection method: clinical testing. Allele origin: germline. Affected: yes. Observed: 1 variant allele.
Comment: ZP1: PM2

Ambry Genetics
Classification: Uncertain significance for Inborn genetic diseases. Last evaluated: 2025-02-19. Review status: criteria provided, single submitter. Criteria: Ambry Variant Classification Scheme 2023. Collection method: clinical testing. Allele origin: germline.

NM_207341.4(ZP1):c.1247C>T (p.Thr416Ile)

Gene: ZP1 (zona pellucida glycoprotein 1; plus strand). Cytogenetic location: 11q12.2.
Variant type: single nucleotide variant.
Coding change: c.1247C>T on transcript NM_207341.4 (MANE Select); coding-DNA position 1247, C replaced by T.
Protein change: p.Thr416Ile; replaces threonine 416 with isoleucine.
Molecular consequence: missense variant.
Genome position (GRCh38, 1-based): chr11:60,873,381, C>T. VCF-style: chr11-60873381-C-T. GRCh37 (hg19) VCF-style: chr11-60640854-C-T.
Other names: c.368C>T, p.Thr123Ile (NM_001391943.1); c.53C>T, p.Thr18Ile (NM_001391944.1); short protein forms T416I, T123I, T18I.
Identifiers: ClinVar variation 3823495 (VCV003823495.8).